The following is an entry in ClinVar:

ClinVar aggregate classification (germline): Uncertain significance (1 of 4 stars; one submission).

Conditions:
Hereditary cancer-predisposing syndrome. Also called: Neoplastic Syndromes, Hereditary; Hereditary Cancer Syndrome; Tumor predisposition; Hereditary neoplastic syndrome. Identifiers: Orphanet 140162, MedGen C0027672, MeSH D009386, MONDO:0015356.

gnomAD v4.1: 3 of 1,606,752 alleles (0.00019%); highest among the groups gnomAD compares: Non-Finnish European, 0.00026%; no homozygotes.

Submission:

Ambry Genetics
Classification: Uncertain significance for Hereditary cancer-predisposing syndrome. Last evaluated: 2024-12-29. Review status: criteria provided, single submitter. Criteria: Ambry Variant Classification Scheme 2023. Collection method: clinical testing. Allele origin: germline.
Comment: The p.E450G variant (also known as c.1349A>G), located in coding exon 10 of the POT1 gene, results from an A to G substitution at nucleotide position 1349. The glutamic acid at codon 450 is replaced by glycine, an amino acid with similar properties. This amino acid position is conserved. In addition, this alteration is predicted to be tolerated by in silico analysis. Based on the available evidence, the clinical significance of this variant remains unclear.

NM_015450.3(POT1):c.1349A>G (p.Glu450Gly)

Gene: POT1 (protection of telomeres 1; minus strand). Cytogenetic location: 7q31.33.
Variant type: single nucleotide variant.
Coding change: c.1349A>G on transcript NM_015450.3 (MANE Select); coding-DNA position 1349, A replaced by G.
Protein change: p.Glu450Gly; replaces glutamic acid 450 with glycine.
Molecular consequence: missense variant. On other transcripts: non-coding transcript variant (3).
Genome position (GRCh38, 1-based): chr7:124,840,993, T>C on the plus strand (A>G on the coding strand, the complement: POT1 is on the minus strand). VCF-style: chr7-124840993-T-C. GRCh37 (hg19) VCF-style: chr7-124481047-T-C.
Other names: c.956A>G, p.Glu319Gly (NM_001042594.2); short protein forms E319G, E450G.
Identifiers: ClinVar variation 3781990 (VCV003781990.1).